The following is an entry in ClinVar:

ClinVar aggregate classification (germline): Likely pathogenic (1 of 4 stars; one submission).

Conditions:
Alstrom syndrome (ALMS). Identifiers: Orphanet 64, MedGen C0268425, MONDO:0008763, OMIM 203800.

Submission:

Juno Genomics, Hangzhou Juno Genomics, Inc
Classification: Likely pathogenic for Alstrom syndrome. Review status: criteria provided, single submitter. Criteria: ACMG Guidelines, 2015. Collection method: clinical testing. Allele origin: germline. Affected: yes.
Comment: Null variant in a gene where loss of function (LOF) is a known mechanism of disease.;Absent from controls (or at extremely low frequency if recessive) in Genome Aggregation Database, Exome Sequencing Project, 1000 Genomes Project, or Exome Aggregation Consortium.

NM_001378454.1(ALMS1):c.9012del (p.Lys3004fs)

Gene: ALMS1 (ALMS1 centrosome and basal body associated protein; plus strand). Cytogenetic location: 2p13.1.
Variant type: Deletion.
Coding change: c.9012del on transcript NM_001378454.1 (MANE Select); coding-DNA position 9012, one base deleted (A; older notation c.9012delA).
Protein change: p.Lys3004fs; shifts the reading frame from lysine 3004.
Molecular consequence: frameshift variant.
Genome position (GRCh38, 1-based): chr2:73,490,971, A deleted; the last of 3 consecutive A bases (chr2:73,490,969-73,490,971); deleting any one gives the same sequence. VCF-style (leftmost placement, unchanged base first): chr2-73490968-TA-T. GRCh37 (hg19) VCF-style: chr2-73718095-TA-T.
Other names: c.9015del, p.Lys3005fs (NM_015120.4); short protein forms K3004fs, K3005fs.
Identifiers: ClinVar variation 3382062 (VCV003382062.2).
Genomic context (GRCh38, chr2:73,490,968, plus strand): 5'-CCATTTTCCCCTTCCTCAAGGTCAGGATTGTGTAGTGGAAAAGAATAATCAACATAAGCC[TA>T]AATCACACATTTCTAATATAAATGTTGAAGCCAAGTTCAATACTGTGGTCTCCCAGTCAG-3'